The following is an entry in ClinVar:

ClinVar aggregate classification (germline): Likely benign (1 of 4 stars; one submission).

Allele frequency attached by ClinVar (database versions not stated): ESP Exome Variant Server 0.00031; ExAC 0.00052; gnomAD 0.00052; TOPMed 0.00062; 1000 Genomes Project 30x 0.00078; 1000 Genomes Project 0.00080.
gnomAD v4.1: 950 of 1,595,970 alleles (0.06%); highest among the groups gnomAD compares: Admixed American, 0.14%; 1 homozygote.

Submission:

CeGaT Center for Human Genetics Tuebingen
Classification: Likely benign. Last evaluated: 2022-10-01. Review status: criteria provided, single submitter. Criteria: CeGaT Center For Human Genetics Tuebingen Variant Classification Criteria Version 2. Collection method: clinical testing. Allele origin: germline. Affected: yes. Observed: 1 variant allele.
Comment: SDK1: BP4, BP7

NM_152744.4(SDK1):c.5514G>A (p.Val1838=)

Gene: SDK1 (sidekick cell adhesion molecule 1; plus strand). Cytogenetic location: 7p22.2.
Variant type: single nucleotide variant.
Coding change: c.5514G>A on transcript NM_152744.4 (MANE Select); coding-DNA position 5514, G replaced by A.
Protein change: p.Val1838=; no amino-acid change (valine 1838 retained).
Molecular consequence: synonymous variant.
Genome position (GRCh38, 1-based): chr7:4,210,137, G>A. VCF-style: chr7-4210137-G-A. GRCh37 (hg19) VCF-style: chr7-4249769-G-A.
Other names: c.975G>A, p.Val325= (NM_001079653.2).
Identifiers: ClinVar variation 2657253 (VCV002657253.24), dbSNP rs142301919, ClinGen allele CA4135674.
Genomic context (GRCh38, chr7:4,210,137, plus strand): 5'-CAACGTGTCCTGGGGCGAGCCTGCGGCGGCCAACGGCATCCTGCAGGGCTATCGGGTGGT[G>A]TACGAGCCCTTGGCCCCTGTACAAGGTAAGACCCGGGGTTGGGGAGATGGGAGCGCGGGC-3'
Protein context (NP_689957.3, residues 1828-1848): ANGILQGYRV[Val1838=]YEPLAPVQGV